The following is an entry in ClinVar:

ClinVar aggregate classification (germline): Uncertain significance. Review status: criteria provided, multiple submitters, no conflicts (2 of 4 stars). 2 submissions from 2 submitters: Uncertain significance (2). Last evaluated 2024-02-15.

Conditions:
Ehlers-Danlos syndrome, kyphoscoliotic type 1 (EDSKSCL1). Also called: EHLERS-DANLOS SYNDROME, TYPE VIA; PLOD1-Related Kyphoscoliotic Ehlers-Danlos Syndrome; Ehlers-Danlos syndrome, hydroxylysine-deficient; EHLERS-DANLOS SYNDROME, OCULAR-SCOLIOTIC TYPE. Identifiers: Orphanet 1900, MedGen C0268342, MONDO:0016002, OMIM 225400. Disease mechanism: loss of function.

Allele frequency attached by ClinVar (database versions not stated): TOPMed 0.00001.
gnomAD v4.1: 4 of 1,608,224 alleles (0.00025%); highest among the groups gnomAD compares: Admixed American, 0.0034%; no homozygotes.

Submissions (2):

Blueprint Genetics
Classification: Uncertain significance. Last evaluated: 2024-02-15. Review status: criteria provided, single submitter. Criteria: ACMG Guidelines, 2015. Collection method: clinical testing. Allele origin: germline.

Labcorp Genetics (formerly Invitae), Labcorp
Classification: Uncertain significance for Ehlers-Danlos syndrome, kyphoscoliotic type 1. Last evaluated: 2021-08-31. Review status: criteria provided, single submitter. Criteria: Invitae Variant Classification Sherloc (09022015). Collection method: clinical testing. Allele origin: germline.
Comment: This sequence change replaces proline with alanine at codon 629 of the PLOD1 protein (p.Pro629Ala). The proline residue is moderately conserved and there is a small physicochemical difference between proline and alanine. This variant is not present in population databases (ExAC no frequency). This variant has not been reported in the literature in individuals affected with PLOD1-related conditions. Algorithms developed to predict the effect of missense changes on protein structure and function (SIFT, PolyPhen-2, Align-GVGD) all suggest that this variant is likely to be tolerated. In summary, the available evidence is currently insufficient to determine the role of this variant in disease. Therefore, it has been classified as a Variant of Uncertain Significance.

NM_000302.4(PLOD1):c.1885C>G (p.Pro629Ala)

Gene: PLOD1 (procollagen-lysine,2-oxoglutarate 5-dioxygenase 1; plus strand). Cytogenetic location: 1p36.22.
Variant type: single nucleotide variant.
Coding change: c.1885C>G on transcript NM_000302.4 (MANE Select); coding-DNA position 1885, C replaced by G.
Protein change: p.Pro629Ala; replaces proline 629 with alanine.
Molecular consequence: missense variant.
Genome position (GRCh38, 1-based): chr1:11,970,799, C>G. VCF-style: chr1-11970799-C-G. GRCh37 (hg19) VCF-style: chr1-12030856-C-G.
Other names: c.2026C>G, p.Pro676Ala (NM_001316320.2); short protein forms P629A, P676A.
Identifiers: ClinVar variation 850262 (VCV000850262.8), dbSNP rs920188548, ClinGen allele CA338450841.